The following is an entry in ClinVar:

ClinVar aggregate classification (germline): Uncertain significance (1 of 4 stars; one submission).

Conditions:
Myofibrillar myopathy 4. Also called: Zaspopathy (type). Identifiers: Orphanet 98912, MedGen C4721886, MONDO:0012277, OMIM 609452.

Submission:

Labcorp Genetics (formerly Invitae), Labcorp
Classification: Uncertain significance for Myofibrillar myopathy 4. Last evaluated: 2023-05-23. Review status: criteria provided, single submitter. Criteria: Invitae Variant Classification Sherloc (09022015). Collection method: clinical testing. Allele origin: germline.
Comment: In summary, the available evidence is currently insufficient to determine the role of this variant in disease. Therefore, it has been classified as a Variant of Uncertain Significance. Algorithms developed to predict the effect of sequence changes on RNA splicing suggest that this variant is not likely to affect RNA splicing. Experimental studies and prediction algorithms are not available or were not evaluated, and the functional significance of this variant is currently unknown. ClinVar contains an entry for this variant (Variation ID: 1663059). This variant has not been reported in the literature in individuals affected with LDB3-related conditions. This variant is not present in population databases (gnomAD no frequency). This sequence change replaces glycine, which is neutral and non-polar, with arginine, which is basic and polar, at codon 229 of the LDB3 protein (p.Gly229Arg). The LDB3 gene has multiple clinically relevant transcripts. This variant occurs in alternate transcript NM_007078.3, and corresponds to NM_001080116.1:c.321+1642G>A in the primary transcript.

NM_007078.3(LDB3):c.685G>A (p.Gly229Arg)

Gene: LDB3 (LIM domain binding 3; plus strand). Cytogenetic location: 10q23.2.
Variant type: single nucleotide variant.
Coding change: c.685G>A on transcript NM_007078.3 (MANE Select); coding-DNA position 685, G replaced by A.
Protein change: p.Gly229Arg; replaces glycine 229 with arginine.
Molecular consequence: missense variant. On other transcripts: intron variant (5).
Genome position (GRCh38, 1-based): chr10:86,681,799, G>A. VCF-style: chr10-86681799-G-A. GRCh37 (hg19) VCF-style: chr10-88441556-G-A.
Other names: c.685G>A, p.Gly229Arg (NM_001080115.2, NM_001171610.2, NM_001171611.2 and 3 more transcripts); c.321+1642G>A (NM_001368068.1, NM_001368066.1, NM_001080114.2 and 2 more transcripts); short protein forms G229R.
Identifiers: ClinVar variation 1663059 (VCV001663059.8), dbSNP rs1383872346, ClinGen allele CA377455769.